The following is an entry in ClinVar:

NM_015512.5(DNAH1):c.9853G>A (p.Glu3285Lys)

Gene: DNAH1 (dynein axonemal heavy chain 1; plus strand). Cytogenetic location: 3p21.1.
Variant type: single nucleotide variant.
Coding change: c.9853G>A on transcript NM_015512.5 (MANE Select); coding-DNA position 9853, G replaced by A.
Protein change: p.Glu3285Lys; replaces glutamic acid 3285 with lysine.
Molecular consequence: missense variant.
Genome position (GRCh38, 1-based): chr3:52,391,290, G>A. VCF-style: chr3-52391290-G-A. GRCh37 (hg19) VCF-style: chr3-52425306-G-A.
Other names: short protein forms E3285K.
Identifiers: ClinVar variation 3750789 (VCV003750789.2).

ClinVar aggregate classification (germline): Uncertain significance (1 of 4 stars; one submission).

Conditions:
Spermatogenic failure 18. Identifiers: MedGen C4539783, MONDO:0054615, OMIM 617576.
Ciliary dyskinesia, primary, 37 (CILD37). Also called: CILIARY DYSKINESIA, PRIMARY, 37, WITH OR WITHOUT SITUS INVERSUS. Identifiers: MedGen C4539798, MONDO:0033204, OMIM 617577.

gnomAD v4.1: 3 of 1,612,716 alleles (0.00019%); highest among the groups gnomAD compares: African/African-American, 0.004%; no homozygotes.

Submission:

Labcorp Genetics (formerly Invitae), Labcorp
Classification: Uncertain significance for Ciliary dyskinesia, primary, 37; Spermatogenic failure 18. Last evaluated: 2024-08-31. Review status: criteria provided, single submitter. Criteria: Invitae Variant Classification Sherloc (09022015). Collection method: clinical testing. Allele origin: germline.
Comment: This sequence change replaces glutamic acid, which is acidic and polar, with lysine, which is basic and polar, at codon 3285 of the DNAH1 protein (p.Glu3285Lys). This variant is not present in population databases (gnomAD no frequency). This variant has not been reported in the literature in individuals affected with DNAH1-related conditions. Invitae Evidence Modeling of protein sequence and biophysical properties (such as structural, functional, and spatial information, amino acid conservation, physicochemical variation, residue mobility, and thermodynamic stability) indicates that this missense variant is not expected to disrupt DNAH1 protein function with a negative predictive value of 80%. In summary, the available evidence is currently insufficient to determine the role of this variant in disease. Therefore, it has been classified as a Variant of Uncertain Significance.